The following is an entry in ClinVar:

NM_000377.3(WAS):c.1148C>T (p.Pro383Leu)

Gene: WAS (WASP actin nucleation promoting factor; plus strand). Cytogenetic location: Xp11.23.
Variant type: single nucleotide variant.
Coding change: c.1148C>T on transcript NM_000377.3 (MANE Select); coding-DNA position 1148, C replaced by T.
Protein change: p.Pro383Leu; replaces proline 383 with leucine.
Molecular consequence: missense variant.
Genome position (GRCh38, 1-based): chrX:48,688,876, C>T. VCF-style: chrX-48688876-C-T. GRCh37 (hg19) VCF-style: chrX-48547265-C-T.
Other names: short protein forms P383L.
Identifiers: ClinVar variation 1718949 (VCV001718949.5), dbSNP rs2519287387, ClinGen allele CA412873384.

ClinVar aggregate classification (germline): Uncertain significance (1 of 4 stars; one submission).

Conditions:
X-linked severe congenital neutropenia (SCNX). Identifiers: Orphanet 86788, MedGen C1845987, MONDO:0010294, OMIM 300299.
Thrombocytopenia 1. Also called: X-linked thrombocytopenia with normal platelets; THROMBOCYTOPENIA, X-LINKED, 1; X-Linked Thrombocytopenia (XLT). Identifiers: Orphanet 268322, Orphanet 852, MedGen C1839163, MONDO:0010743, OMIM 313900.
Wiskott-Aldrich syndrome (WAS). Also called: ALDRICH SYNDROME; IMMUNODEFICIENCY 2; WISKOTT-ALDRICH SYNDROME 1; Wiskott-aldrich syndrome, somatic. Identifiers: Orphanet 906, MedGen C0043194, MONDO:0010518, OMIM 301000.

Submission:

Labcorp Genetics (formerly Invitae), Labcorp
Classification: Uncertain significance for Wiskott-Aldrich syndrome; X-linked severe congenital neutropenia; Thrombocytopenia 1. Last evaluated: 2022-09-06. Review status: criteria provided, single submitter. Criteria: Invitae Variant Classification Sherloc (09022015). Collection method: clinical testing. Allele origin: germline.
Comment: In summary, the available evidence is currently insufficient to determine the role of this variant in disease. Therefore, it has been classified as a Variant of Uncertain Significance. Experimental studies and prediction algorithms are not available or were not evaluated, and the functional significance of this variant is currently unknown. This sequence change replaces proline, which is neutral and non-polar, with leucine, which is neutral and non-polar, at codon 383 of the WAS protein (p.Pro383Leu). This variant is not present in population databases (gnomAD no frequency). This variant has not been reported in the literature in individuals affected with WAS-related conditions.